The following is an entry in ClinVar:

NM_002049.4(GATA1):c.746T>C (p.Ile249Thr)

Gene: GATA1 (GATA binding protein 1; plus strand). Cytogenetic location: Xp11.23.
Variant type: single nucleotide variant.
Coding change: c.746T>C on transcript NM_002049.4 (MANE Select); coding-DNA position 746, T replaced by C.
Protein change: p.Ile249Thr; replaces isoleucine 249 with threonine.
Molecular consequence: missense variant.
Genome position (GRCh38, 1-based): chrX:48,793,173, T>C. VCF-style: chrX-48793173-T-C. GRCh37 (hg19) VCF-style: chrX-48651580-T-C.
Other names: short protein forms I249T.
Identifiers: ClinVar variation 3756356 (VCV003756356.2).

ClinVar aggregate classification (germline): Uncertain significance (1 of 4 stars; one submission).

Conditions:
GATA binding protein 1 related thrombocytopenia with dyserythropoiesis. Also called: GATA1-Related X-Linked Cytopenia; GATA1-Related Cytopenia. Identifiers: MedGen C1845837, MONDO:0100089.
Diamond-Blackfan anemia. Also called: Blackfan Diamond syndrome; Aregenerative anemia chronic congenital; Red cell aplasia, pure hereditary; Congenital hypoplastic anemia; Aase syndrome. Identifiers: Orphanet 124, MedGen C1260899, MeSH D029503, MONDO:0015253, HP:0004810.

Submission:

Labcorp Genetics (formerly Invitae), Labcorp
Classification: Uncertain significance for GATA binding protein 1 related thrombocytopenia with dyserythropoiesis; Diamond-Blackfan anemia. Last evaluated: 2024-05-15. Review status: criteria provided, single submitter. Criteria: Invitae Variant Classification Sherloc (09022015). Collection method: clinical testing. Allele origin: germline.
Comment: This sequence change replaces isoleucine, which is neutral and non-polar, with threonine, which is neutral and polar, at codon 249 of the GATA1 protein (p.Ile249Thr). This variant is not present in population databases (gnomAD no frequency). This variant has not been reported in the literature in individuals affected with GATA1-related conditions. An algorithm developed to predict the effect of missense changes on protein structure and function (PolyPhen-2) suggests that this variant is likely to be tolerated. In summary, the available evidence is currently insufficient to determine the role of this variant in disease. Therefore, it has been classified as a Variant of Uncertain Significance.